The following is an entry in ClinVar:

ClinVar aggregate classification (germline): Pathogenic. Review status: criteria provided, multiple submitters, no conflicts (2 of 4 stars). 2 submissions from 2 submitters: Pathogenic (2). Last evaluated 2025-12-15.

Conditions:
Sialidosis. Identifiers: Orphanet 309294, MedGen C0268226, MONDO:0017734.

Allele frequency attached by ClinVar (database versions not stated): gnomAD exomes 0.00001; ExAC 0.00001; gnomAD 0.00001 and 0.00002; TOPMed 0.00002.
gnomAD v4.1: 11 of 1,612,814 alleles (0.00068%); highest among the groups gnomAD compares: African/African-American, 0.0013%; no homozygotes.

Submissions (2):

Labcorp Genetics (formerly Invitae), Labcorp
Classification: Pathogenic. Last evaluated: 2025-12-15. Review status: criteria provided, single submitter. Criteria: Invitae Variant Classification Sherloc (09022015). Collection method: clinical testing. Allele origin: germline.
Comment: This sequence change replaces glycine, which is neutral and non-polar, with serine, which is neutral and polar, at codon 328 of the NEU1 protein (p.Gly328Ser). This variant is present in population databases (rs534846786, gnomAD 0.01%). This missense change has been observed in individual(s) with sialidosis (PMID: 10767332, 11063730, 25401298, 31711734, 32752208). ClinVar contains an entry for this variant (Variation ID: 1331449). Invitae Evidence Modeling of protein sequence and biophysical properties (such as structural, functional, and spatial information, amino acid conservation, physicochemical variation, residue mobility, and thermodynamic stability) indicates that this missense variant is not expected to disrupt NEU1 protein function with a negative predictive value of 80%. Experimental studies have shown that this missense change affects NEU1 function (PMID: 10767332, 11279074). For these reasons, this variant has been classified as Pathogenic.

Women's Health and Genetics/Laboratory Corporation of America, LabCorp
Classification: Pathogenic for Sialidosis. Last evaluated: 2021-12-18. Review status: criteria provided, single submitter. Criteria: LabCorp Variant Classification Summary - May 2015. Collection method: clinical testing. Allele origin: germline.
Comment: Variant summary: NEU1 c.982G>A (p.Gly328Ser) results in a non-conservative amino acid change located in the Sialidase domain (IPR011040) of the encoded protein sequence. Five of five in-silico tools predict a damaging effect of the variant on protein function. The variant allele was found at a frequency of 1.2e-05 in 246510 control chromosomes. c.982G>A has been reported in the literature as a compound heterozygous genotype in individuals affected with Sialidosis (example, Muona_2015, Lukong_2000, Coppola_2020). These data indicate that the variant is likely to be associated with disease. At least one publication reports experimental evidence evaluating an impact on protein function (Lukong_2000). The most pronounced variant effect results in <10% of normal Sialidase activity. No clinical diagnostic laboratories have submitted clinical-significance assessments for this variant to ClinVar after 2014. Based on the evidence outlined above, the variant was classified as pathogenic.

Literature cited by the submitters: PubMed 10767332 (cited by Labcorp Genetics (formerly Invitae), Labcorp and Women's Health and Genetics/Laboratory Corporation of America, LabCorp); PubMed 11063730 (cited by Labcorp Genetics (formerly Invitae), Labcorp); PubMed 25401298 (cited by Labcorp Genetics (formerly Invitae), Labcorp and Women's Health and Genetics/Laboratory Corporation of America, LabCorp); PubMed 31711734 (cited by Labcorp Genetics (formerly Invitae), Labcorp); PubMed 32752208 (cited by Labcorp Genetics (formerly Invitae), Labcorp and Women's Health and Genetics/Laboratory Corporation of America, LabCorp); PubMed 11279074 (cited by Labcorp Genetics (formerly Invitae), Labcorp).

NM_000434.4(NEU1):c.982G>A (p.Gly328Ser)

Gene: NEU1 (neuraminidase 1; minus strand). Cytogenetic location: 6p21.33.
Variant type: single nucleotide variant.
Coding change: c.982G>A on transcript NM_000434.4 (MANE Select); coding-DNA position 982, G replaced by A.
Protein change: p.Gly328Ser; replaces glycine 328 with serine.
Molecular consequence: missense variant.
Genome position (GRCh38, 1-based): chr6:31,860,081, C>T on the plus strand (G>A on the coding strand, the complement: NEU1 is on the minus strand). VCF-style: chr6-31860081-C-T. GRCh37 (hg19) VCF-style: chr6-31827858-C-T.
Other names: short protein forms G328S.
Identifiers: ClinVar variation 1331449 (VCV001331449.5), dbSNP rs534846786, ClinGen allele CA3724911.